The following is an entry in ClinVar:

NM_001365951.3(KIF1B):c.4793G>C (p.Ser1598Thr)

Gene: KIF1B (kinesin family member 1B; plus strand). Cytogenetic location: 1p36.22.
Variant type: single nucleotide variant.
Coding change: c.4793G>C on transcript NM_001365951.3 (MANE Select); coding-DNA position 4793, G replaced by C.
Protein change: p.Ser1598Thr; replaces serine 1598 with threonine.
Molecular consequence: missense variant.
Genome position (GRCh38, 1-based): chr1:10,368,507, G>C. VCF-style: chr1-10368507-G-C. GRCh37 (hg19) VCF-style: chr1-10428565-G-C.
Other names: c.4793G>C, p.Ser1598Thr (NM_001365952.1); c.4655G>C, p.Ser1552Thr (NM_015074.3); short protein forms S1552T, S1598T.
Identifiers: ClinVar variation 2191919 (VCV002191919.7), dbSNP rs2521934764, ClinGen allele CA338324352.

ClinVar aggregate classification (germline): Uncertain significance. Review status: criteria provided, multiple submitters, no conflicts (2 of 4 stars). 2 submissions from 2 submitters: Uncertain significance (2). Last evaluated 2025-05-23.

Conditions:
Charcot-Marie-Tooth disease type 2. Also called: Charcot-Marie-Tooth type 2. Identifiers: Orphanet 64746, MedGen C0270914, MONDO:0018993.

Allele frequency attached by ClinVar (database versions not stated): gnomAD exomes below 0.00001.
gnomAD v4.1: 1 of 1,614,074 alleles (0.000062%); highest among the groups gnomAD compares: Non-Finnish European, 0.000085%; no homozygotes.

Submissions (2):

Ambry Genetics
Classification: Uncertain significance. Last evaluated: 2025-05-23. Review status: criteria provided, single submitter. Criteria: Ambry Variant Classification Scheme 2023. Collection method: clinical testing. Allele origin: germline.
Comment: The p.S1552T variant (also known as c.4655G>C), located in coding exon 41 of the KIF1B gene, results from a G to C substitution at nucleotide position 4655. The serine at codon 1552 is replaced by threonine, an amino acid with similar properties. This amino acid position is conserved. In addition, this alteration is predicted to be tolerated by in silico analysis. Since supporting evidence is limited at this time, the clinical significance of this alteration remains unclear.

Labcorp Genetics (formerly Invitae), Labcorp
Classification: Uncertain significance for Charcot-Marie-Tooth disease type 2. Last evaluated: 2024-02-05. Review status: criteria provided, single submitter. Criteria: Invitae Variant Classification Sherloc (09022015). Collection method: clinical testing. Allele origin: germline.
Comment: This sequence change replaces serine, which is neutral and polar, with threonine, which is neutral and polar, at codon 1552 of the KIF1B protein (p.Ser1552Thr). This variant is not present in population databases (gnomAD no frequency). This variant has not been reported in the literature in individuals affected with KIF1B-related conditions. ClinVar contains an entry for this variant (Variation ID: 2191919). Algorithms developed to predict the effect of missense changes on protein structure and function output the following: SIFT: "Not Available"; PolyPhen-2: "Benign"; Align-GVGD: "Not Available". The threonine amino acid residue is found in multiple mammalian species, which suggests that this missense change does not adversely affect protein function. In summary, the available evidence is currently insufficient to determine the role of this variant in disease. Therefore, it has been classified as a Variant of Uncertain Significance.